The following is an entry in ClinVar:

NM_177438.3(DICER1):c.2788G>A (p.Ala930Thr)

Gene: DICER1 (dicer 1, ribonuclease III; minus strand). Cytogenetic location: 14q32.13.
Variant type: single nucleotide variant.
Coding change: c.2788G>A on transcript NM_177438.3 (MANE Select); coding-DNA position 2788, G replaced by A.
Protein change: p.Ala930Thr; replaces alanine 930 with threonine.
Molecular consequence: missense variant.
Genome position (GRCh38, 1-based): chr14:95,107,624, C>T on the plus strand (G>A on the coding strand, the complement: DICER1 is on the minus strand). VCF-style: chr14-95107624-C-T. GRCh37 (hg19) VCF-style: chr14-95573961-C-T.
Other names: c.2788G>A, p.Ala930Thr (NM_001195573.1, NM_001271282.3, NM_001291628.2 and 1 more transcripts); short protein forms A930T.
Identifiers: ClinVar variation 821813 (VCV000821813.5), dbSNP rs1595378809, ClinGen allele CA390879431.

ClinVar aggregate classification (germline): Uncertain significance (1 of 4 stars; one submission).

Conditions:
Hereditary cancer-predisposing syndrome. Also called: Tumor predisposition; Hereditary Cancer Syndrome; Neoplastic Syndromes, Hereditary; Hereditary neoplastic syndrome. Identifiers: Orphanet 140162, MedGen C0027672, MeSH D009386, MONDO:0015356.

Submission:

Ambry Genetics
Classification: Uncertain significance for Hereditary cancer-predisposing syndrome. Last evaluated: 2023-06-29. Review status: criteria provided, single submitter. Criteria: Ambry Variant Classification Scheme 2023. Collection method: clinical testing. Allele origin: germline.
Comment: The p.A930T variant (also known as c.2788G>A), located in coding exon 16 of the DICER1 gene, results from a G to A substitution at nucleotide position 2788. The alanine at codon 930 is replaced by threonine, an amino acid with similar properties. This amino acid position is highly conserved in available vertebrate species. In addition, this alteration is predicted to be tolerated by in silico analysis. Since supporting evidence is limited at this time, the clinical significance of this alteration remains unclear.